The following is an entry in ClinVar:

NM_001369.3(DNAH5):c.6898C>T (p.Gln2300Ter)

Gene: DNAH5 (dynein axonemal heavy chain 5; minus strand). Cytogenetic location: 5p15.2.
Variant type: single nucleotide variant.
Coding change: c.6898C>T on transcript NM_001369.3 (MANE Select); coding-DNA position 6898, C replaced by T.
Protein change: p.Gln2300Ter; replaces glutamine 2300 with a stop codon.
Molecular consequence: nonsense.
Genome position (GRCh38, 1-based): chr5:13,817,638, G>A on the plus strand (C>T on the coding strand, the complement: DNAH5 is on the minus strand). VCF-style: chr5-13817638-G-A. GRCh37 (hg19) VCF-style: chr5-13817747-G-A.
Other names: short protein forms Q2300*.
Identifiers: ClinVar variation 1756016 (VCV001756016.5), dbSNP rs1157521172, ClinGen allele CA359193188.
Genomic context (GRCh38, chr5:13,817,638, plus strand): 5'-GCGTAGAAAATATCCCATCAGTCCAGTCATTTGTGGCAACGTCCAGCCGACCAAACATCT[G>A]TGGGGCAGTAATCGCTTTGGGATTCATCCTCATTTCCCGATGTGGTTTTCCACAATCTAT-3'

ClinVar aggregate classification (germline): Pathogenic. Review status: criteria provided, multiple submitters, no conflicts (2 of 4 stars). 2 submissions from 2 submitters: Pathogenic (2). Last evaluated 2023-09-26.

Conditions:
Primary ciliary dyskinesia. Also called: Ciliary dyskinesia. Identifiers: Orphanet 244, MedGen C0008780, MONDO:0016575, HP:0012265.

Allele frequency attached by ClinVar (database versions not stated): gnomAD exomes 0.00001.
gnomAD v4.1: 4 of 1,614,190 alleles (0.00025%); highest among the groups gnomAD compares: Non-Finnish European, 0.00034%; no homozygotes.

Submissions (2):

Labcorp Genetics (formerly Invitae), Labcorp
Classification: Pathogenic for Primary ciliary dyskinesia. Last evaluated: 2023-09-26. Review status: criteria provided, single submitter. Criteria: Invitae Variant Classification Sherloc (09022015). Collection method: clinical testing. Allele origin: germline.
Comment: For these reasons, this variant has been classified as Pathogenic. ClinVar contains an entry for this variant (Variation ID: 1756016). This variant has not been reported in the literature in individuals affected with DNAH5-related conditions. This variant is present in population databases (no rsID available, gnomAD 0.002%). This sequence change creates a premature translational stop signal (p.Gln2300*) in the DNAH5 gene. It is expected to result in an absent or disrupted protein product. Loss-of-function variants in DNAH5 are known to be pathogenic (PMID: 11788826, 16627867).

Ambry Genetics
Classification: Pathogenic for Primary ciliary dyskinesia. Last evaluated: 2017-06-12. Review status: criteria provided, single submitter. Criteria: Ambry Variant Classification Scheme 2023. Collection method: clinical testing. Allele origin: germline.
Comment: The p.Q2300* pathogenic mutation (also known as c.6898C>T), located in coding exon 42 of the DNAH5 gene, results from a C to T substitution at nucleotide position 6898. This changes the amino acid from a glutamine to a stop codon within coding exon 42. This alteration is expected to result in loss of function by premature protein truncation or nonsense-mediated mRNA decay. As such, this alteration is interpreted as a disease-causing mutation.

Literature cited by the submitters: PubMed 11788826 (cited by Labcorp Genetics (formerly Invitae), Labcorp); PubMed 16627867 (cited by Labcorp Genetics (formerly Invitae), Labcorp).